The following is an entry in ClinVar:

NM_003718.5(CDK13):c.2180C>G (p.Thr727Ser)

Gene: CDK13 (cyclin dependent kinase 13; plus strand). Cytogenetic location: 7p14.1.
Variant type: single nucleotide variant.
Coding change: c.2180C>G on transcript NM_003718.5 (MANE Select); coding-DNA position 2180, C replaced by G.
Protein change: p.Thr727Ser; replaces threonine 727 with serine.
Molecular consequence: missense variant.
Genome position (GRCh38, 1-based): chr7:39,999,498, C>G. VCF-style: chr7-39999498-C-G. GRCh37 (hg19) VCF-style: chr7-40039097-C-G.
Other names: c.2180C>G, p.Thr727Ser (NM_031267.4); short protein forms T727S.
Identifiers: ClinVar variation 3359758 (VCV003359758.1).

ClinVar aggregate classification (germline): Uncertain significance (1 of 4 stars; one submission).

Submission:

GeneDx
Classification: Uncertain significance. Last evaluated: 2023-06-13. Review status: criteria provided, single submitter. Criteria: GeneDx Variant Classification Process June 2021. Collection method: clinical testing. Allele origin: germline. Affected: yes.
Comment: Not observed at significant frequency in large population cohorts (gnomAD); In silico analysis supports that this missense variant has a deleterious effect on protein structure/function; Has not been previously published as pathogenic or benign to our knowledge